The following is an entry in ClinVar:

NM_001371904.1(APOA5):c.694T>C (p.Ser232Pro)

Gene: APOA5 (apolipoprotein A5; minus strand). Cytogenetic location: 11q23.3.
Variant type: single nucleotide variant.
Coding change: c.694T>C on transcript NM_001371904.1 (MANE Select); coding-DNA position 694, T replaced by C.
Protein change: p.Ser232Pro; replaces serine 232 with proline.
Molecular consequence: missense variant.
Genome position (GRCh38, 1-based): chr11:116,790,535, A>G on the plus strand (T>C on the coding strand, the complement: APOA5 is on the minus strand). VCF-style: chr11-116790535-A-G. GRCh37 (hg19) VCF-style: chr11-116661251-A-G.
Other names: c.694T>C, p.Ser232Pro (NM_001166598.2, NM_052968.5); short protein forms S232P.
Identifiers: ClinVar variation 2617654 (VCV002617654.4), dbSNP rs1409787509, ClinGen allele CA382737284.

ClinVar aggregate classification (germline): Uncertain significance. Review status: criteria provided, multiple submitters, no conflicts (2 of 4 stars). 2 submissions from 2 submitters: Uncertain significance (2). Last evaluated 2024-11-04.

Conditions:
Cardiovascular phenotype. Identifiers: MedGen CN230736.

Allele frequency attached by ClinVar (database versions not stated): gnomAD 0.00001; gnomAD exomes 0.00001.

Submissions (2):

Labcorp Genetics (formerly Invitae), Labcorp
Classification: Uncertain significance. Last evaluated: 2024-11-04. Review status: criteria provided, single submitter. Criteria: Invitae Variant Classification Sherloc (09022015). Collection method: clinical testing. Allele origin: germline.
Comment: This sequence change replaces serine, which is neutral and polar, with proline, which is neutral and non-polar, at codon 232 of the APOA5 protein (p.Ser232Pro). This variant is present in population databases (no rsID available, gnomAD 0.003%). This variant has not been reported in the literature in individuals affected with APOA5-related conditions. ClinVar contains an entry for this variant (Variation ID: 2617654). An algorithm developed to predict the effect of missense changes on protein structure and function (PolyPhen-2) suggests that this variant is likely to be disruptive. In summary, the available evidence is currently insufficient to determine the role of this variant in disease. Therefore, it has been classified as a Variant of Uncertain Significance.

Ambry Genetics
Classification: Uncertain significance for Cardiovascular phenotype. Last evaluated: 2023-09-07. Review status: criteria provided, single submitter. Criteria: Ambry Variant Classification Scheme 2023. Collection method: clinical testing. Allele origin: germline.

Literature cited by the submitters: PubMed 36978188 (cited by Ambry Genetics).